The following is an entry in ClinVar:

NM_198968.4(DZIP1):c.1057C>T (p.Arg353Cys)

Gene: DZIP1 (DAZ interacting zinc finger protein 1; minus strand). Cytogenetic location: 13q32.1.
Variant type: single nucleotide variant.
Coding change: c.1057C>T on transcript NM_198968.4 (MANE Select); coding-DNA position 1057, C replaced by T.
Protein change: p.Arg353Cys; replaces arginine 353 with cysteine.
Molecular consequence: missense variant.
Genome position (GRCh38, 1-based): chr13:95,622,396, G>A on the plus strand (C>T on the coding strand, the complement: DZIP1 is on the minus strand). VCF-style: chr13-95622396-G-A. GRCh37 (hg19) VCF-style: chr13-96274650-G-A.
Other names: c.1057C>T, p.Arg353Cys (NM_014934.5); short protein forms R353C.
Identifiers: ClinVar variation 3026157 (VCV003026157.22), dbSNP rs749877973, ClinGen allele CA7020827.

ClinVar aggregate classification (germline): Uncertain significance (1 of 4 stars; one submission).

Allele frequency attached by ClinVar (database versions not stated): gnomAD exomes below 0.00001; ExAC 0.00001; TOPMed 0.00001.

Submission:

CeGaT Center for Human Genetics Tuebingen
Classification: Uncertain significance. Last evaluated: 2023-12-01. Review status: criteria provided, single submitter. Criteria: CeGaT Center For Human Genetics Tuebingen Variant Classification Criteria Version 2. Collection method: clinical testing. Allele origin: germline. Affected: yes. Observed: 1 variant allele.
Comment: DZIP1: PM2, BP4